The following is an entry in ClinVar:

NM_032043.3(BRIP1):c.1565C>T (p.Ser522Leu)

Gene: BRIP1 (BRCA1 interacting DNA helicase 1; minus strand). Cytogenetic location: 17q23.2.
Variant type: single nucleotide variant.
Coding change: c.1565C>T on transcript NM_032043.3 (MANE Select); coding-DNA position 1565, C replaced by T.
Protein change: p.Ser522Leu; replaces serine 522 with leucine.
Molecular consequence: missense variant.
Genome position (GRCh38, 1-based): chr17:61,784,333, G>A on the plus strand (C>T on the coding strand, the complement: BRIP1 is on the minus strand). VCF-style: chr17-61784333-G-A. GRCh37 (hg19) VCF-style: chr17-59861694-G-A.
Other names: short protein forms S522L.
Identifiers: ClinVar variation 483189 (VCV000483189.5), dbSNP rs1555603525, ClinGen allele CA400481133.
Genomic context (GRCh38, chr17:61,784,333, plus strand): 5'-CTATTTTGCCTAAAAAGATAGTCAAGTACCATAAAAAGTCCTTTAAGCATTATTTGAGTT[G>A]ATGCACTAATAACAGGTACTTCTCTTGCCTCCTCTTTACCATAAATTGGTGAGATTTTTT-3'
Protein context (NP_114432.2, residues 512-532): EAREVPVISA[Ser522Leu]TQIMLKGLFM

ClinVar aggregate classification (germline): Uncertain significance (1 of 4 stars; one submission).

Conditions:
Hereditary cancer-predisposing syndrome. Also called: Neoplastic Syndromes, Hereditary; Tumor predisposition; Hereditary Cancer Syndrome; Hereditary neoplastic syndrome. Identifiers: Orphanet 140162, MedGen C0027672, MeSH D009386, MONDO:0015356.

Submission:

Ambry Genetics
Classification: Uncertain significance for Hereditary cancer-predisposing syndrome. Last evaluated: 2017-01-04. Review status: criteria provided, single submitter. Criteria: Ambry Variant Classification Scheme 2023. Collection method: clinical testing. Allele origin: germline.
Comment: The p.S522L variant (also known as c.1565C>T), located in coding exon 10 of the BRIP1 gene, results from a C to T substitution at nucleotide position 1565. The serine at codon 522 is replaced by leucine, an amino acid with dissimilar properties. This amino acid position is not well conserved in available vertebrate species. In addition, this alteration is predicted to be tolerated by in silico analysis. Since supporting evidence is limited at this time, the clinical significance of this alteration remains unclear.